The following is an entry in ClinVar:

ClinVar aggregate classification (germline): Likely pathogenic (1 of 4 stars; one submission).

Submission:

Labcorp Genetics (formerly Invitae), Labcorp
Classification: Likely pathogenic. Last evaluated: 2021-07-29. Review status: criteria provided, single submitter. Criteria: Invitae Variant Classification Sherloc (09022015). Collection method: clinical testing. Allele origin: germline.
Comment: In summary, the currently available evidence indicates that the variant is pathogenic, but additional data are needed to prove that conclusively. Therefore, this variant has been classified as Likely Pathogenic. Algorithms developed to predict the effect of missense changes on protein structure and function (SIFT, PolyPhen-2, Align-GVGD) all suggest that this variant is likely to be disruptive. This variant has been observed in individual(s) with clinical features of autosomal dominant Noonan syndrome (Invitae). In at least one individual the variant was observed to be de novo. This variant is not present in population databases (ExAC no frequency). This sequence change replaces leucine with tryptophan at codon 806 of the LZTR1 protein (p.Leu806Trp). The leucine residue is highly conserved and there is a small physicochemical difference between leucine and tryptophan.

NM_006767.4(LZTR1):c.2417T>G (p.Leu806Trp)

Gene: LZTR1 (leucine zipper like post translational regulator 1; plus strand). Cytogenetic location: 22q11.21.
Variant type: single nucleotide variant.
Coding change: c.2417T>G on transcript NM_006767.4 (MANE Select); coding-DNA position 2417, T replaced by G.
Protein change: p.Leu806Trp; replaces leucine 806 with tryptophan.
Molecular consequence: missense variant.
Genome position (GRCh38, 1-based): chr22:20,997,242, T>G. VCF-style: chr22-20997242-T-G. GRCh37 (hg19) VCF-style: chr22-21351531-T-G.
Other names: short protein forms L806W.
Identifiers: ClinVar variation 1489825 (VCV001489825.8), dbSNP rs2147970908, ClinGen allele CA410781502.
Genomic context (GRCh38, chr22:20,997,242, plus strand): 5'-GCCCTTAGGTGGATCTGGTCCCATCTCCTTCCGGCCTGCTTGCCTTACAGGTCTCCAAGT[T>G]GCCCACCCTGCGGTCGCTGAGCCAGCAGCTGCTGCTGGACATCATAGACTCCCTGGCCTC-3'
Protein context (NP_006758.2, residues 796-816): IVHQFTKVSK[Leu806Trp]PTLRSLSQQL